The following is an entry in ClinVar:

ClinVar aggregate classification (germline): Uncertain significance (1 of 4 stars; one submission).

Conditions:
Immunodeficiency 104. Also called: Severe Combined Immune Deficiency, Autosomal Recessive, TCell -Negative, B Cell-Positive, NK Cell-Positive, IL7R-Related; SCID, AUTOSOMAL RECESSIVE, T CELL-NEGATIVE, B CELL-POSITIVE, NK CELL-POSITIVE; IMMUNODEFICIENCY 104, SEVERE COMBINED; Severe combined immunodeficiency, autosomal recessive, T cell-negative, B cell-positive, NK cell-positive. Identifiers: MedGen C5676890, MONDO:0012163, OMIM 608971.

Submission:

Labcorp Genetics (formerly Invitae), Labcorp
Classification: Uncertain significance for Immunodeficiency 104. Last evaluated: 2021-08-30. Review status: criteria provided, single submitter. Criteria: Invitae Variant Classification Sherloc (09022015). Collection method: clinical testing. Allele origin: germline.
Comment: This sequence change replaces proline with leucine at codon 1264 of the PTPRC protein (p.Pro1264Leu). The proline residue is weakly conserved and there is a moderate physicochemical difference between proline and leucine. This variant is not present in population databases (ExAC no frequency). This variant has not been reported in the literature in individuals affected with PTPRC-related conditions. Algorithms developed to predict the effect of missense changes on protein structure and function output the following: SIFT: "Deleterious"; PolyPhen-2: "Benign"; Align-GVGD: "Class C0". The leucine amino acid residue is found in multiple mammalian species, which suggests that this missense change does not adversely affect protein function. In summary, the available evidence is currently insufficient to determine the role of this variant in disease. Therefore, it has been classified as a Variant of Uncertain Significance.

NM_002838.5(PTPRC):c.3791C>T (p.Pro1264Leu)

Gene: PTPRC (protein tyrosine phosphatase receptor type C; plus strand). Cytogenetic location: 1q32.1.
Variant type: single nucleotide variant.
Coding change: c.3791C>T on transcript NM_002838.5 (MANE Select); coding-DNA position 3791, C replaced by T.
Protein change: p.Pro1264Leu; replaces proline 1264 with leucine.
Molecular consequence: missense variant.
Genome position (GRCh38, 1-based): chr1:198,756,051, C>T. VCF-style: chr1-198756051-C-T. GRCh37 (hg19) VCF-style: chr1-198725180-C-T.
Other names: c.3308C>T, p.Pro1103Leu (NM_080921.4); short protein forms P1103L, P1264L.
Identifiers: ClinVar variation 958585 (VCV000958585.7), dbSNP rs1655636285, ClinGen allele CA344056176.
Genomic context (GRCh38, chr1:198,756,051, plus strand): 5'-ATAAAATTGAATTTGATAATGAAGTGGACAAAGTAAAGCAGGATGCTAATTGTGTTAATC[C>T]ACTTGGTGCCCCAGAAAAGCTCCCTGAAGCAAAGGAACAGGCTGAAGGTTCTGAACCCAC-3'
Protein context (NP_002829.3, residues 1254-1274): KVKQDANCVN[Pro1264Leu]LGAPEKLPEA